The following is an entry in ClinVar:

ClinVar aggregate classification (germline): Uncertain significance. Review status: criteria provided, multiple submitters, no conflicts (2 of 4 stars). 2 submissions from 2 submitters: Uncertain significance (2). Last evaluated 2025-09-01.

Allele frequency attached by ClinVar (database versions not stated): gnomAD 0.00001; gnomAD exomes 0.00001.

Submissions (2):

Ambry Genetics
Classification: Uncertain significance. Last evaluated: 2025-09-01. Review status: criteria provided, single submitter. Criteria: Ambry Variant Classification Scheme 2023. Collection method: clinical testing. Allele origin: germline.

Labcorp Genetics (formerly Invitae), Labcorp
Classification: Uncertain significance. Last evaluated: 2025-08-05. Review status: criteria provided, single submitter. Criteria: Invitae Variant Classification Sherloc (09022015). Collection method: clinical testing. Allele origin: germline.
Comment: This sequence change replaces methionine, which is neutral and non-polar, with threonine, which is neutral and polar, at codon 144 of the KIF20A protein (p.Met144Thr). This variant is present in population databases (no rsID available, gnomAD 0.003%). This variant has not been reported in the literature in individuals affected with KIF20A-related conditions. ClinVar contains an entry for this variant (Variation ID: 1927659). An algorithm developed to predict the effect of missense changes on protein structure and function (PolyPhen-2) suggests that this variant is likely to be disruptive. In summary, the available evidence is currently insufficient to determine the role of this variant in disease. Therefore, it has been classified as a Variant of Uncertain Significance.

NM_005733.3(KIF20A):c.431T>C (p.Met144Thr)

Gene: KIF20A (kinesin family member 20A; plus strand). Cytogenetic location: 5q31.2.
Variant type: single nucleotide variant.
Coding change: c.431T>C on transcript NM_005733.3 (MANE Select); coding-DNA position 431, T replaced by C.
Protein change: p.Met144Thr; replaces methionine 144 with threonine.
Molecular consequence: missense variant.
Genome position (GRCh38, 1-based): chr5:138,182,378, T>C. VCF-style: chr5-138182378-T-C. GRCh37 (hg19) VCF-style: chr5-137518067-T-C.
Other names: c.431T>C (NM_005733.2); short protein forms M144T.
Identifiers: ClinVar variation 1927659 (VCV001927659.6), dbSNP rs1326898926, ClinGen allele CA361113113.